The following is an entry in ClinVar:

ClinVar aggregate classification (germline): Pathogenic (1 of 4 stars; one submission).

Submission:

Labcorp Genetics (formerly Invitae), Labcorp
Classification: Pathogenic. Last evaluated: 2023-06-15. Review status: criteria provided, single submitter. Criteria: Invitae Variant Classification Sherloc (09022015). Collection method: clinical testing. Allele origin: germline.
Comment: This variant has not been reported in the literature in individuals affected with USH2A-related conditions. For these reasons, this variant has been classified as Pathogenic. This variant is not present in population databases (gnomAD no frequency). This sequence change creates a premature translational stop signal (p.Gly1668Valfs*12) in the USH2A gene. It is expected to result in an absent or disrupted protein product. Loss-of-function variants in USH2A are known to be pathogenic (PMID: 10729113, 10909849, 20507924, 25649381).

Literature cited by the submitters: PubMed 10729113; PubMed 10909849; PubMed 20507924; PubMed 25649381.

NM_206933.4(USH2A):c.5001del (p.Gly1668fs)

Genes: USH2A (usherin; minus strand), USH2A-AS2 (USH2A antisense RNA 2; plus strand). Cytogenetic location: 1q41.
Variant type: Deletion.
Coding change: c.5001del on transcript NM_206933.4 (MANE Select); coding-DNA position 5001, one base deleted (A; older notation c.5001delA).
Protein change: p.Gly1668fs; shifts the reading frame from glycine 1668.
Molecular consequence: frameshift variant.
Genome position (GRCh38, 1-based): chr1:216,084,864, T deleted on the plus strand (A on the coding strand, the reverse complement: USH2A is on the minus strand); the first of 5 consecutive T bases (chr1:216,084,864-216,084,868); deleting any one gives the same sequence. VCF-style (leftmost placement, unchanged base first): chr1-216084863-CT-C. GRCh37 (hg19) VCF-style: chr1-216258205-CT-C.
Other names: short protein forms G1668fs.
Identifiers: ClinVar variation 2715441 (VCV002715441.3), dbSNP rs397518018, ClinGen allele CA1220549003.